The following is an entry in ClinVar:

ClinVar aggregate classification (germline): Uncertain significance (1 of 4 stars; one submission).

Allele frequency attached by ClinVar (database versions not stated): gnomAD exomes below 0.00001 and 0.00001.
gnomAD v4.1: 4 of 1,578,314 alleles (0.00025%); highest among the groups gnomAD compares: Admixed American, 0.007%; no homozygotes.

Submission:

Labcorp Genetics (formerly Invitae), Labcorp
Classification: Uncertain significance. Last evaluated: 2022-08-09. Review status: criteria provided, single submitter. Criteria: Invitae Variant Classification Sherloc (09022015). Collection method: clinical testing. Allele origin: germline.
Comment: This sequence change replaces histidine, which is basic and polar, with arginine, which is basic and polar, at codon 111 of the CAD protein (p.His111Arg). This variant is present in population databases (no rsID available, gnomAD 0.003%). This variant has not been reported in the literature in individuals affected with CAD-related conditions. ClinVar contains an entry for this variant (Variation ID: 1460803). Algorithms developed to predict the effect of missense changes on protein structure and function output the following: SIFT: "Tolerated"; PolyPhen-2: "Benign"; Align-GVGD: "Class C0". The arginine amino acid residue is found in multiple mammalian species, which suggests that this missense change does not adversely affect protein function. In summary, the available evidence is currently insufficient to determine the role of this variant in disease. Therefore, it has been classified as a Variant of Uncertain Significance.

NM_004341.5(CAD):c.332A>G (p.His111Arg)

Gene: CAD (carbamoyl-phosphate synthetase 2, aspartate transcarbamylase, and dihydroorotase; plus strand). Cytogenetic location: 2p23.3.
Variant type: single nucleotide variant.
Coding change: c.332A>G on transcript NM_004341.5 (MANE Select); coding-DNA position 332, A replaced by G.
Protein change: p.His111Arg; replaces histidine 111 with arginine.
Molecular consequence: missense variant.
Genome position (GRCh38, 1-based): chr2:27,221,327, A>G. VCF-style: chr2-27221327-A-G. GRCh37 (hg19) VCF-style: chr2-27444195-A-G.
Other names: c.332A>G, p.His111Arg (NM_001306079.2); short protein forms H111R.
Identifiers: ClinVar variation 1460803 (VCV001460803.5), dbSNP rs1439517956, ClinGen allele CA346197746.